The following is an entry in ClinVar:

ClinVar aggregate classification (germline): Benign. Review status: criteria provided, multiple submitters, no conflicts (2 of 4 stars). 2 submissions from 2 submitters: Benign (2). Last evaluated 2018-06-19.

Allele frequency attached by ClinVar (database versions not stated): gnomAD 0.01671; TOPMed 0.01750; 1000 Genomes Project 0.01837; 1000 Genomes Project 30x 0.01921.
gnomAD v4.1: 3,916 of 875,134 alleles (0.45%); highest among the groups gnomAD compares: African/African-American, 5.9%; 108 homozygotes.

Submissions (2):

GeneDx
Classification: Benign. Last evaluated: 2018-06-19. Review status: criteria provided, single submitter. Criteria: GeneDx Variant Classification (06012015). Collection method: clinical testing. Allele origin: germline. Affected: yes.
Comment: This variant is considered likely benign or benign based on one or more of the following criteria: it is a conservative change, it occurs at a poorly conserved position in the protein, it is predicted to be benign by multiple in silico algorithms, and/or has population frequency not consistent with disease.

Breakthrough Genomics
Classification: Benign. Review status: criteria provided, single submitter. Criteria: ACMG Guidelines, 2015. Collection method: not provided. Allele origin: germline. Inheritance: Autosomal recessive inheritance. Affected: yes.

NM_001005361.3(DNM2):c.1894-181G>A

Gene: DNM2 (dynamin 2; plus strand). Cytogenetic location: 19p13.2.
Variant type: single nucleotide variant.
Coding change: c.1894-181G>A on transcript NM_001005361.3 (MANE Select); 181 bases into the intron before coding-DNA position 1894, G replaced by A.
Molecular consequence: intron variant.
Genome position (GRCh38, 1-based): chr19:10,824,876, G>A. VCF-style: chr19-10824876-G-A. GRCh37 (hg19) VCF-style: chr19-10935552-G-A.
Other names: c.1894-181G>A (NM_001005360.3, NM_001190716.2); c.1882-181G>A (NM_004945.4, NM_001005362.3).
Identifiers: ClinVar variation 679321 (VCV000679321.2), dbSNP rs114589854, ClinGen allele CA305266987.